The following is an entry in ClinVar:

NM_001077653.2(TBX20):c.1329G>A (p.Met443Ile)

Gene: TBX20 (T-box transcription factor 20; minus strand). Cytogenetic location: 7p14.2.
Variant type: single nucleotide variant.
Coding change: c.1329G>A on transcript NM_001077653.2 (MANE Select); coding-DNA position 1329, G replaced by A.
Protein change: p.Met443Ile; replaces methionine 443 with isoleucine.
Molecular consequence: missense variant.
Genome position (GRCh38, 1-based): chr7:35,202,445, C>T on the plus strand (G>A on the coding strand, the complement: TBX20 is on the minus strand). VCF-style: chr7-35202445-C-T. GRCh37 (hg19) VCF-style: chr7-35242057-C-T.
Other names: short protein forms M443I.
Identifiers: ClinVar variation 3232609 (VCV003232609.3), dbSNP rs1789317610, ClinGen allele CA367262734.

ClinVar aggregate classification (germline): Uncertain significance. Review status: criteria provided, multiple submitters, no conflicts (2 of 4 stars). 2 submissions from 2 submitters: Uncertain significance (2). Last evaluated 2024-03-18.

Conditions:
Cardiovascular phenotype. Identifiers: MedGen CN230736.

Allele frequency attached by ClinVar (database versions not stated): gnomAD exomes below 0.00001; TOPMed below 0.00001.
gnomAD v4.1: 3 of 1,534,948 alleles (0.0002%); highest among the groups gnomAD compares: Non-Finnish European, 0.000088%; no homozygotes.

Submissions (2):

Labcorp Genetics (formerly Invitae), Labcorp
Classification: Uncertain significance. Last evaluated: 2024-03-18. Review status: criteria provided, single submitter. Criteria: Invitae Variant Classification Sherloc (09022015). Collection method: clinical testing. Allele origin: germline.
Comment: This sequence change replaces methionine, which is neutral and non-polar, with isoleucine, which is neutral and non-polar, at codon 443 of the TBX20 protein (p.Met443Ile). This variant is not present in population databases (gnomAD no frequency). This variant has not been reported in the literature in individuals affected with TBX20-related conditions. An algorithm developed to predict the effect of missense changes on protein structure and function (PolyPhen-2) suggests that this variant is likely to be tolerated. In summary, the available evidence is currently insufficient to determine the role of this variant in disease. Therefore, it has been classified as a Variant of Uncertain Significance.

Ambry Genetics
Classification: Uncertain significance for Cardiovascular phenotype. Last evaluated: 2023-10-19. Review status: criteria provided, single submitter. Criteria: Ambry Variant Classification Scheme 2023. Collection method: clinical testing. Allele origin: germline.
Comment: The p.M443I variant (also known as c.1329G>A), located in coding exon 8 of the TBX20 gene, results from a G to A substitution at nucleotide position 1329. The methionine at codon 443 is replaced by isoleucine, an amino acid with highly similar properties. This amino acid position is conserved. In addition, this alteration is predicted to be deleterious by in silico analysis. Since supporting evidence is limited at this time, the clinical significance of this alteration remains unclear.